The following is an entry in ClinVar:

ClinVar aggregate classification (germline): Likely benign. Review status: criteria provided, multiple submitters, no conflicts (2 of 4 stars). 2 submissions from 2 submitters: Likely benign (2). Last evaluated 2026-09-01.

Allele frequency attached by ClinVar (database versions not stated): gnomAD 0.00003 and 0.00004; TOPMed 0.00004; ExAC 0.00005; gnomAD exomes 0.00006; ESP Exome Variant Server 0.00015.
gnomAD v4.1: 82 of 1,614,034 alleles (0.0051%); highest among the groups gnomAD compares: Admixed American, 0.01%; no homozygotes.

Submissions (2):

CeGaT Center for Human Genetics Tuebingen
Classification: Likely benign. Last evaluated: 2026-09-01. Review status: criteria provided, single submitter. Criteria: CeGaT Center For Human Genetics Tuebingen Variant Classification Criteria Version 2. Collection method: clinical testing. Allele origin: germline. Affected: yes. Observed: 1 variant allele.
Comment: NPHS1: BP4, BP7

Labcorp Genetics (formerly Invitae), Labcorp
Classification: Likely benign. Last evaluated: 2025-12-28. Review status: criteria provided, single submitter. Criteria: Invitae Variant Classification Sherloc (09022015). Collection method: clinical testing. Allele origin: germline.

NM_004646.4(NPHS1):c.1068C>T (p.Asn356=)

Gene: NPHS1 (NPHS1 adhesion molecule, nephrin; minus strand). Cytogenetic location: 19q13.12.
Variant type: single nucleotide variant.
Coding change: c.1068C>T on transcript NM_004646.4 (MANE Select); coding-DNA position 1068, C replaced by T.
Protein change: p.Asn356=; no amino-acid change (asparagine 356 retained).
Molecular consequence: synonymous variant.
Genome position (GRCh38, 1-based): chr19:35,848,739, G>A on the plus strand (C>T on the coding strand, the complement: NPHS1 is on the minus strand). VCF-style: chr19-35848739-G-A. GRCh37 (hg19) VCF-style: chr19-36339641-G-A.
Identifiers: ClinVar variation 757824 (VCV000757824.11), dbSNP rs377066855, ClinGen allele CA9390559.